The following is an entry in ClinVar:

ClinVar aggregate classification (germline): Uncertain significance (1 of 4 stars; one submission).

Submission:

GeneDx
Classification: Uncertain significance. Last evaluated: 2026-02-12. Review status: criteria provided, single submitter. Criteria: GeneDx Variant Classification Process June 2021. Collection method: clinical testing. Allele origin: germline.
Comment: Not observed at significant frequency in large population cohorts (gnomAD); In silico analysis supports that this missense variant has a deleterious effect on protein structure/function; Occurs in the triple helical domain at the Y position in the canonical Gly-X-Y repeat; although this variant may have an effect on normal protein folding and function, missense substitution at the Y position is not a common mechanism of disease; Has not been previously published as pathogenic or benign to our knowledge

NM_001845.6(COL4A1):c.2446C>T (p.Pro816Ser)

Gene: COL4A1 (collagen type IV alpha 1 chain; minus strand). Cytogenetic location: 13q34.
Variant type: single nucleotide variant.
Coding change: c.2446C>T on transcript NM_001845.6 (MANE Select); coding-DNA position 2446, C replaced by T.
Protein change: p.Pro816Ser; replaces proline 816 with serine.
Molecular consequence: missense variant.
Genome position (GRCh38, 1-based): chr13:110,178,935, G>A on the plus strand (C>T on the coding strand, the complement: COL4A1 is on the minus strand). VCF-style: chr13-110178935-G-A. GRCh37 (hg19) VCF-style: chr13-110831282-G-A.
Other names: short protein forms P816S.
Identifiers: ClinVar variation 4887856 (VCV004887856.1).
Genomic context (GRCh38, chr13:110,178,935, plus strand): 5'-GAAAAGCATGCTTTTGGGAACAGATAATTCTAGAAGCATGTCACTCACCTGACAACCCCG[G>A]TGGTCCCTGTCCTCCAGGGGGACCCCTAGCTCCAGGGGGGCCTATTCCTGGAACTCCTGG-3'
Protein context (NP_001836.3, residues 806-826): ARGPPGGQGP[Pro816Ser]GLSGPPGIKG